The following is an entry in ClinVar:

ClinVar aggregate classification (germline): Uncertain significance (1 of 4 stars; one submission).

Allele frequency attached by ClinVar (database versions not stated): gnomAD exomes 0.00002; TOPMed 0.00002; ExAC 0.00007.

Submission:

Labcorp Genetics (formerly Invitae), Labcorp
Classification: Uncertain significance. Last evaluated: 2025-12-01. Review status: criteria provided, single submitter. Criteria: Invitae Variant Classification Sherloc (09022015). Collection method: clinical testing. Allele origin: germline.
Comment: This sequence change replaces arginine, which is basic and polar, with glutamine, which is neutral and polar, at codon 141 of the TGFB1 protein (p.Arg141Gln). This variant is present in population databases (rs745744175, gnomAD 0.04%). This variant has not been reported in the literature in individuals affected with TGFB1-related conditions. ClinVar contains an entry for this variant (Variation ID: 2189097). Invitae Evidence Modeling of protein sequence and biophysical properties (such as structural, functional, and spatial information, amino acid conservation, physicochemical variation, residue mobility, and thermodynamic stability) indicates that this missense variant is not expected to disrupt TGFB1 protein function with a negative predictive value of 80%. In summary, the available evidence is currently insufficient to determine the role of this variant in disease. Therefore, it has been classified as a Variant of Uncertain Significance.

NM_000660.7(TGFB1):c.422G>A (p.Arg141Gln)

Gene: TGFB1 (transforming growth factor beta 1; minus strand). Cytogenetic location: 19q13.2.
Variant type: single nucleotide variant.
Coding change: c.422G>A on transcript NM_000660.7 (MANE Select); coding-DNA position 422, G replaced by A.
Protein change: p.Arg141Gln; replaces arginine 141 with glutamine.
Molecular consequence: missense variant.
Genome position (GRCh38, 1-based): chr19:41,348,389, C>T on the plus strand (G>A on the coding strand, the complement: TGFB1 is on the minus strand). VCF-style: chr19-41348389-C-T. GRCh37 (hg19) VCF-style: chr19-41854294-C-T.
Other names: short protein forms R141Q.
Identifiers: ClinVar variation 2189097 (VCV002189097.4), dbSNP rs745744175, ClinGen allele CA9460097.